The following is an entry in ClinVar:

ClinVar aggregate classification (germline): Uncertain significance. Review status: criteria provided, multiple submitters, no conflicts (2 of 4 stars). 2 submissions from 2 submitters: Uncertain significance (2). Last evaluated 2023-04-06.

gnomAD v4.1: 1 of 1,613,300 alleles (0.000062%); highest among the groups gnomAD compares: Non-Finnish European, 0.000085%; no homozygotes.

Submissions (2):

Blueprint Genetics
Classification: Uncertain significance. Last evaluated: 2023-04-06. Review status: criteria provided, single submitter. Criteria: ACMG Guidelines, 2015. Collection method: clinical testing. Allele origin: germline.

Labcorp Genetics (formerly Invitae), Labcorp
Classification: Uncertain significance. Last evaluated: 2022-05-27. Review status: criteria provided, single submitter. Criteria: Invitae Variant Classification Sherloc (09022015). Collection method: clinical testing. Allele origin: germline.
Comment: In summary, the available evidence is currently insufficient to determine the role of this variant in disease. Therefore, it has been classified as a Variant of Uncertain Significance. Algorithms developed to predict the effect of missense changes on protein structure and function are either unavailable or do not agree on the potential impact of this missense change (SIFT: "Tolerated"; PolyPhen-2: "Probably Damaging"; Align-GVGD: "Class C0"). ClinVar contains an entry for this variant (Variation ID: 1004268). This variant has not been reported in the literature in individuals affected with ADAM9-related conditions. This variant is present in population databases (no rsID available, gnomAD 0.0009%). This sequence change replaces glutamic acid, which is acidic and polar, with lysine, which is basic and polar, at codon 619 of the ADAM9 protein (p.Glu619Lys).

NM_003816.3(ADAM9):c.1855G>A (p.Glu619Lys)

Gene: ADAM9 (ADAM metallopeptidase domain 9; plus strand). Cytogenetic location: 8p11.22.
Variant type: single nucleotide variant.
Coding change: c.1855G>A on transcript NM_003816.3 (MANE Select); coding-DNA position 1855, G replaced by A.
Protein change: p.Glu619Lys; replaces glutamic acid 619 with lysine.
Molecular consequence: missense variant. On other transcripts: non-coding transcript variant (3).
Genome position (GRCh38, 1-based): chr8:39,077,385, G>A. VCF-style: chr8-39077385-G-A. GRCh37 (hg19) VCF-style: chr8-38934904-G-A.
Other names: short protein forms E619K.
Identifiers: ClinVar variation 1004268 (VCV001004268.6), dbSNP rs1337421459, ClinGen allele CA370746789.
Genomic context (GRCh38, chr8:39,077,385, plus strand): 5'-AAATGTTGGGGTGTGGATTTCCAGCTAGGATCAGATGTTCCAGATCCTGGGATGGTTAAC[G>A]AAGGCACAAAATGTGGTGCTGGAAAGGTAATCAAAATATTTTTTATTTACAAAGTAAAAT-3'
Protein context (NP_003807.1, residues 609-629): SDVPDPGMVN[Glu619Lys]GTKCGAGKIC